The following is an entry in ClinVar:

ClinVar aggregate classification (germline): Uncertain significance (1 of 4 stars; one submission).

Submission:

Ambry Genetics
Classification: Uncertain significance. Last evaluated: 2024-09-15. Review status: criteria provided, single submitter. Criteria: Ambry Variant Classification Scheme 2023. Collection method: clinical testing. Allele origin: germline.
Comment: The p.T1181K variant (also known as c.3542C>A), located in coding exon 30 of the PRKDC gene, results from a C to A substitution at nucleotide position 3542. The threonine at codon 1181 is replaced by lysine, an amino acid with similar properties. This amino acid position is conserved. In addition, the in silico prediction for this alteration is inconclusive. Based on the available evidence, the clinical significance of this variant remains unclear.

NM_006904.7(PRKDC):c.3542C>A (p.Thr1181Lys)

Gene: PRKDC (protein kinase, DNA-activated, catalytic subunit; minus strand). Cytogenetic location: 8q11.21.
Variant type: single nucleotide variant.
Coding change: c.3542C>A on transcript NM_006904.7 (MANE Select); coding-DNA position 3542, C replaced by A.
Protein change: p.Thr1181Lys; replaces threonine 1181 with lysine.
Molecular consequence: missense variant.
Genome position (GRCh38, 1-based): chr8:47,897,217, G>T on the plus strand (C>A on the coding strand, the complement: PRKDC is on the minus strand). VCF-style: chr8-47897217-G-T. GRCh37 (hg19) VCF-style: chr8-48809777-G-T.
Other names: c.3542C>A, p.Thr1181Lys (NM_001081640.2); short protein forms T1181K.
Identifiers: ClinVar variation 3425336 (VCV003425336.1).
Genomic context (GRCh38, chr8:47,897,217, plus strand): 5'-ATACCTGGCAATAAAGGAACGAATTTATAAAAGAGTTCAATGGATTTGTGTCGACATTCT[G>T]TCTGGGGCCTCCCACAATGAGCTAAAAGCCACTTGACCAGATCCAATAAACACAATGATG-3'
Protein context (NP_008835.5, residues 1171-1191): WLLAHCGRPQ[Thr1181Lys]ECRHKSIELF